The following is an entry in ClinVar:

NM_000548.5(TSC2):c.2896T>C (p.Phe966Leu)

Gene: TSC2 (TSC complex subunit 2; plus strand). Cytogenetic location: 16p13.3.
Variant type: single nucleotide variant.
Coding change: c.2896T>C on transcript NM_000548.5 (MANE Select); coding-DNA position 2896, T replaced by C.
Protein change: p.Phe966Leu; replaces phenylalanine 966 with leucine.
Molecular consequence: missense variant. On other transcripts: intron variant (9).
Genome position (GRCh38, 1-based): chr16:2,077,656, T>C. VCF-style: chr16-2077656-T-C. GRCh37 (hg19) VCF-style: chr16-2127657-T-C.
Other names: c.2896T>C, p.Phe966Leu (NM_001114382.3); c.2837+1071T>C (NM_021055.3, NM_001370405.1, NM_001363528.2 and 2 more transcripts); c.2726+1071T>C (NM_001318827.2); c.2237+1071T>C (NM_001318831.2); c.2690+1071T>C (NM_001318829.2); c.2870+1071T>C (NM_001318832.2); short protein forms F966L.
Identifiers: ClinVar variation 575148 (VCV000575148.12), dbSNP rs1567490884, ClinGen allele CA394281128.
Genomic context (GRCh38, chr16:2,077,656, plus strand): 5'-AGTCTGAGGATAGCCAGACCCCCCAAACAAGGCTTGAATAACTCTCCACCCGTGAAAGAA[T>C]TCAAGGAGAGCTCTGCAGCCGAGGCCTTCCGGTGCCGCAGCATCAGTGTGTCTGAACATG-3'
Protein context (NP_000539.2, residues 956-976): GLNNSPPVKE[Phe966Leu]KESSAAEAFR

ClinVar aggregate classification (germline): Conflicting classifications of pathogenicity. Review status: criteria provided, conflicting classifications (1 of 4 stars). 2 submissions from 2 submitters: Uncertain significance (1); Benign (1). Last evaluated 2025-11-25.

Conditions:
Hereditary cancer-predisposing syndrome. Also called: Hereditary neoplastic syndrome; Tumor predisposition; Hereditary Cancer Syndrome; Neoplastic Syndromes, Hereditary. Identifiers: Orphanet 140162, MedGen C0027672, MeSH D009386, MONDO:0015356.
Tuberous sclerosis 2 (TSC2). Identifiers: Orphanet 805, MedGen C1860707, MONDO:0013199, OMIM 613254.

Allele frequency attached by ClinVar (database versions not stated): TOPMed below 0.00001; gnomAD 0.00001; gnomAD exomes 0.00003.
gnomAD v4.1: 23 of 1,612,952 alleles (0.0014%); highest among the groups gnomAD compares: Non-Finnish European, 0.0019%; no homozygotes.

Submissions (2):

Labcorp Genetics (formerly Invitae), Labcorp
Classification: Benign for Tuberous sclerosis 2. Last evaluated: 2025-11-25. Review status: criteria provided, single submitter. Criteria: Invitae Variant Classification Sherloc (09022015). Collection method: clinical testing. Allele origin: germline.

Ambry Genetics
Classification: Uncertain significance for Hereditary cancer-predisposing syndrome. Last evaluated: 2024-05-05. Review status: criteria provided, single submitter. Criteria: Ambry Variant Classification Scheme 2023. Collection method: clinical testing. Allele origin: germline.
Comment: The p.F966L variant (also known as c.2896T>C), located in coding exon 25 of the TSC2 gene, results from a T to C substitution at nucleotide position 2896. The phenylalanine at codon 966 is replaced by leucine, an amino acid with highly similar properties. This amino acid position is poorly conserved in available vertebrate species. In addition, this alteration is predicted to be tolerated by in silico analysis. Since supporting evidence is limited at this time, the clinical significance of this alteration remains unclear.